The following is an entry in ClinVar:

NM_004320.6(ATP2A1):c.2980G>A (p.Gly994Arg)

Gene: ATP2A1 (ATPase sarcoplasmic/endoplasmic reticulum Ca2+ transporting 1; plus strand). Cytogenetic location: 16p11.2.
Variant type: single nucleotide variant.
Coding change: c.2980G>A on transcript NM_004320.6 (MANE Select); coding-DNA position 2980, G replaced by A.
Protein change: p.Gly994Arg; replaces glycine 994 with arginine.
Molecular consequence: missense variant.
Genome position (GRCh38, 1-based): chr16:28,903,440, G>A. VCF-style: chr16-28903440-G-A. GRCh37 (hg19) VCF-style: chr16-28914761-G-A.
Other names: c.2980G>A (NM_173201.4); c.2605G>A, p.Gly869Arg (NM_001286075.2); c.2980G>A, p.Asp994Asn (NM_173201.5); short protein forms G994R, D994N, G869R.
Identifiers: ClinVar variation 1513553 (VCV001513553.7), dbSNP rs1964150293, ClinGen allele CA395416265.

ClinVar aggregate classification (germline): Uncertain significance. Review status: criteria provided, multiple submitters, no conflicts (2 of 4 stars). 2 submissions from 2 submitters: Uncertain significance (2). Last evaluated 2023-08-14.

Conditions:
Brody myopathy. Also called: BRODY DISEASE. Identifiers: Orphanet 53347, MedGen C1832918, MONDO:0010977, OMIM 601003.

Allele frequency attached by ClinVar (database versions not stated): gnomAD exomes below 0.00001; gnomAD 0.00001.
gnomAD v4.1: 5 of 1,611,638 alleles (0.00031%); highest among the groups gnomAD compares: Admixed American, 0.0017%; no homozygotes.

Submissions (2):

Revvity Omics, Revvity
Classification: Uncertain significance for Brody myopathy. Last evaluated: 2023-08-14. Review status: criteria provided, single submitter. Criteria: ACMG Guidelines, 2015. Collection method: clinical testing. Allele origin: germline.

Labcorp Genetics (formerly Invitae), Labcorp
Classification: Uncertain significance for Brody myopathy. Last evaluated: 2022-06-20. Review status: criteria provided, single submitter. Criteria: Invitae Variant Classification Sherloc (09022015). Collection method: clinical testing. Allele origin: germline.
Comment: This sequence change replaces aspartic acid, which is acidic and polar, with asparagine, which is neutral and polar, at codon 994 of the ATP2A1 protein (p.Asp994Asn). This variant also falls at the last nucleotide of exon 21, which is part of the consensus splice site for this exon. This variant is not present in population databases (gnomAD no frequency). This variant has not been reported in the literature in individuals affected with ATP2A1-related conditions. Algorithms developed to predict the effect of missense changes on protein structure and function (SIFT, PolyPhen-2, Align-GVGD) all suggest that this variant is likely to be tolerated. Variants that disrupt the consensus splice site are a relatively common cause of aberrant splicing (PMID: 17576681, 9536098). Algorithms developed to predict the effect of sequence changes on RNA splicing suggest that this variant may create or strengthen a splice site. In summary, the available evidence is currently insufficient to determine the role of this variant in disease. Therefore, it has been classified as a Variant of Uncertain Significance.

Literature cited by the submitters: PubMed 17576681 (cited by Labcorp Genetics (formerly Invitae), Labcorp); PubMed 9536098 (cited by Labcorp Genetics (formerly Invitae), Labcorp).